The following is an entry in ClinVar:

ClinVar aggregate classification (germline): Uncertain significance (1 of 4 stars; one submission).

gnomAD v4.1: 1 of 1,614,078 alleles (0.000062%); highest among the groups gnomAD compares: Admixed American, 0.0017%; no homozygotes.

Submission:

Women's Health and Genetics/Laboratory Corporation of America, LabCorp
Classification: Uncertain significance. Last evaluated: 2026-06-02. Review status: criteria provided, single submitter. Criteria: LabCorp Variant Classification Summary - May 2015. Collection method: clinical testing. Allele origin: germline.
Comment: Variant summary: EVC c.1651C>T (p.Pro551Ser) results in a non-conservative amino acid change in the encoded protein sequence. Algorithms developed to predict the effect of missense changes on protein structure and function are either unavailable or do not agree on the potential impact of this missense change. The variant allele was found at a frequency of 4e-06 in 251468 control chromosomes. The available data on variant occurrences in the general population are insufficient to allow any conclusion about variant significance. To our knowledge, no occurrence of c.1651C>T in individuals affected with EVC-related conditions and no experimental evidence demonstrating its impact on protein function have been reported. No submitters have cited clinical-significance assessments for this variant to ClinVar. Based on the evidence outlined above, the variant was classified as uncertain significance.

NM_153717.3(EVC):c.1651C>T (p.Pro551Ser)

Gene: EVC (EvC ciliary complex subunit 1; plus strand). Cytogenetic location: 4p16.2.
Variant type: single nucleotide variant.
Coding change: c.1651C>T on transcript NM_153717.3 (MANE Select); coding-DNA position 1651, C replaced by T.
Protein change: p.Pro551Ser; replaces proline 551 with serine.
Molecular consequence: missense variant.
Genome position (GRCh38, 1-based): chr4:5,783,639, C>T. VCF-style: chr4-5783639-C-T. GRCh37 (hg19) VCF-style: chr4-5785366-C-T.
Other names: c.1651C>T, p.Pro551Ser (NM_001306090.2); short protein forms P551S.
Identifiers: ClinVar variation 4887575 (VCV004887575.1).